The following is an entry in ClinVar:

ClinVar aggregate classification (germline): Likely benign. Review status: criteria provided, multiple submitters, no conflicts (2 of 4 stars). 3 submissions from 3 submitters: Likely benign (2). 1 of the submissions does not count toward it. Last evaluated 2025-05-04.

Conditions:
HSPG2-related disorder. Also called: HSPG2-related disorders; HSPG2-related condition.

Allele frequency attached by ClinVar (database versions not stated): TOPMed below 0.00001; ExAC 0.00001; gnomAD exomes 0.00002.
gnomAD v4.1: 24 of 1,614,000 alleles (0.0015%); highest among the groups gnomAD compares: Middle Eastern, 0.099%; no homozygotes.

Submissions (3):

Labcorp Genetics (formerly Invitae), Labcorp
Classification: Likely benign. Last evaluated: 2025-05-04. Review status: criteria provided, single submitter. Criteria: Invitae Variant Classification Sherloc (09022015). Collection method: clinical testing. Allele origin: germline.

Blueprint Genetics
Classification: Likely benign. Last evaluated: 2024-05-16. Review status: criteria provided, single submitter. Criteria: ACMG Guidelines, 2015. Collection method: clinical testing. Allele origin: germline.

PreventionGenetics, part of Exact Sciences
Classification: Likely benign for HSPG2-related condition. Last evaluated: 2019-04-24. Review status: no assertion criteria provided. Collection method: clinical testing. Allele origin: germline. Not counted in ClinVar's aggregate classification.
Comment: This variant is classified as likely benign based on ACMG/AMP sequence variant interpretation guidelines (Richards et al. 2015 PMID: 25741868, with internal and published modifications).

NM_005529.7(HSPG2):c.810C>T (p.His270=)

Gene: HSPG2 (heparan sulfate proteoglycan 2; minus strand). Cytogenetic location: 1p36.12.
Variant type: single nucleotide variant.
Coding change: c.810C>T on transcript NM_005529.7 (MANE Select); coding-DNA position 810, C replaced by T.
Protein change: p.His270=; no amino-acid change (histidine 270 retained).
Molecular consequence: synonymous variant.
Genome position (GRCh38, 1-based): chr1:21,887,568, G>A on the plus strand (C>T on the coding strand, the complement: HSPG2 is on the minus strand). VCF-style: chr1-21887568-G-A. GRCh37 (hg19) VCF-style: chr1-22214061-G-A.
Other names: c.810C>T (NM_005529.6); c.810C>T, p.His270= (NM_001291860.2).
Identifiers: ClinVar variation 2988095 (VCV002988095.6), dbSNP rs758412757, ClinGen allele CA673693.
Genomic context (GRCh38, chr1:21,887,568, plus strand): 5'-GGCCTCCTGGGGCCCACAGGGCAGGGGCCTGACGGAACCGGGAAGCAGGGGCTGAGGAGC[G>A]TGGGTGACTGGTGGCTGTCGCATGATGGTTGTCTCTGGCCGGGGCGGTAAAGATGTCGTC-3'
Protein context (NP_005520.4, residues 260-280): TTIMRQPPVT[His270=]APQPLLPGSV